The following is an entry in ClinVar:

ClinVar aggregate classification (germline): Uncertain significance (1 of 4 stars; one submission).

gnomAD v4.1: 2 of 1,613,198 alleles (0.00012%); highest among the groups gnomAD compares: Non-Finnish European, 0.00017%; no homozygotes.

Submission:

Labcorp Genetics (formerly Invitae), Labcorp
Classification: Uncertain significance. Last evaluated: 2025-10-26. Review status: criteria provided, single submitter. Criteria: Invitae Variant Classification Sherloc (09022015). Collection method: clinical testing. Allele origin: germline.
Comment: This sequence change replaces isoleucine, which is neutral and non-polar, with threonine, which is neutral and polar, at codon 251 of the PAX1 protein (p.Ile251Thr). This variant is not present in population databases (gnomAD no frequency). This variant has not been reported in the literature in individuals affected with PAX1-related conditions. Invitae Evidence Modeling of protein sequence and biophysical properties (such as structural, functional, and spatial information, amino acid conservation, physicochemical variation, residue mobility, and thermodynamic stability) indicates that this missense variant is not expected to disrupt PAX1 protein function with a negative predictive value of 80%. In summary, the available evidence is currently insufficient to determine the role of this variant in disease. Therefore, it has been classified as a Variant of Uncertain Significance.

NM_001257096.2(PAX1):c.752T>C (p.Ile251Thr)

Gene: PAX1 (paired box 1; plus strand). Cytogenetic location: 20p11.22.
Variant type: single nucleotide variant.
Coding change: c.752T>C on transcript NM_001257096.2 (MANE Select); coding-DNA position 752, T replaced by C.
Protein change: p.Ile251Thr; replaces isoleucine 251 with threonine.
Molecular consequence: missense variant.
Genome position (GRCh38, 1-based): chr20:21,706,903, T>C. VCF-style: chr20-21706903-T-C. GRCh37 (hg19) VCF-style: chr20-21687541-T-C.
Other names: c.752T>C, p.Ile251Thr (NM_006192.5); short protein forms I251T.
Identifiers: ClinVar variation 4770471 (VCV004770471.1).